The following is an entry in ClinVar:

NM_014989.7(RIMS1):c.33C>A (p.Arg11=)

Gene: RIMS1 (regulating synaptic membrane exocytosis 1; plus strand). Cytogenetic location: 6q13.
Variant type: single nucleotide variant.
Coding change: c.33C>A on transcript NM_014989.7 (MANE Select); coding-DNA position 33, C replaced by A.
Protein change: p.Arg11=; no amino-acid change (arginine 11 retained).
Molecular consequence: synonymous variant.
Genome position (GRCh38, 1-based): chr6:71,887,056, C>A. VCF-style: chr6-71887056-C-A. GRCh37 (hg19) VCF-style: chr6-72596759-C-A.
Other names: c.33C>A, p.Arg11= (NM_001350411.1, NM_001350412.1, NM_001350413.1).
Identifiers: ClinVar variation 1157746 (VCV001157746.33), dbSNP rs571540836, ClinGen allele CA3885368.

ClinVar aggregate classification (germline): Likely benign. Review status: criteria provided, multiple submitters, no conflicts (2 of 4 stars). 3 submissions from 3 submitters: Likely benign (3). Last evaluated 2024-04-25.

Allele frequency attached by ClinVar (database versions not stated): gnomAD 0.00001; TOPMed 0.00001; gnomAD exomes 0.00002 and 0.00003; ExAC 0.00004; 1000 Genomes Project 30x 0.00016; 1000 Genomes Project 0.00020.
gnomAD v4.1: 35 of 1,613,420 alleles (0.0022%); highest among the groups gnomAD compares: South Asian, 0.032%; no homozygotes.

Submissions (3):

Blueprint Genetics
Classification: Likely benign. Last evaluated: 2024-04-25. Review status: criteria provided, single submitter. Criteria: ACMG Guidelines, 2015. Collection method: clinical testing. Allele origin: germline.

CeGaT Center for Human Genetics Tuebingen
Classification: Likely benign. Last evaluated: 2022-09-01. Review status: criteria provided, single submitter. Criteria: CeGaT Center For Human Genetics Tuebingen Variant Classification Criteria Version 2. Collection method: clinical testing. Allele origin: germline. Affected: yes. Observed: 1 variant allele.
Comment: RIMS1: BP4, BP7

Labcorp Genetics (formerly Invitae), Labcorp
Classification: Likely benign. Last evaluated: 2020-08-20. Review status: criteria provided, single submitter. Criteria: Invitae Variant Classification Sherloc (09022015). Collection method: clinical testing. Allele origin: germline.